The following is an entry in ClinVar:

NM_000543.5(SMPD1):c.919A>T (p.Lys307Ter)

Gene: SMPD1 (sphingomyelin phosphodiesterase 1; plus strand). Cytogenetic location: 11p15.4.
Variant type: single nucleotide variant.
Coding change: c.919A>T on transcript NM_000543.5 (MANE Select); coding-DNA position 919, A replaced by T.
Protein change: p.Lys307Ter; replaces lysine 307 with a stop codon.
Molecular consequence: nonsense. On other transcripts: 5 prime UTR variant (1), non-coding transcript variant (1).
Genome position (GRCh38, 1-based): chr11:6,391,984, A>T. VCF-style: chr11-6391984-A-T. GRCh37 (hg19) VCF-style: chr11-6413214-A-T.
Other names: c.916A>T, p.Lys306Ter (NM_001007593.3); c.919A>T, p.Lys307Ter (NM_001318087.2, NM_001365135.2); c.-43A>T (NM_001318088.2); short protein forms K306*, K307*.
Identifiers: ClinVar variation 2953725 (VCV002953725.3), dbSNP rs2493807497, ClinGen allele CA379371277.

ClinVar aggregate classification (germline): Pathogenic (1 of 4 stars; one submission).

Conditions:
Niemann-Pick disease, type B. Also called: Chronic Visceral ASMD (Niemann-Pick Disease Type B; NPD-B). Identifiers: Orphanet 77293, MedGen C0268243, MONDO:0011871, OMIM 607616. Disease mechanism: loss of function.
Niemann-Pick disease, type A. Also called: SPHINGOMYELIN LIPIDOSIS; SPHINGOMYELINASE DEFICIENCY; Infantile Neurovisceral ASMD (Niemann-Pick Disease Type A; NPD-A). Identifiers: Orphanet 77292, MedGen C0268242, MONDO:0009756, OMIM 257200. Disease mechanism: loss of function.

Submission:

Labcorp Genetics (formerly Invitae), Labcorp
Classification: Pathogenic for Niemann-Pick disease, type B; Niemann-Pick disease, type A. Last evaluated: 2023-11-09. Review status: criteria provided, single submitter. Criteria: Invitae Variant Classification Sherloc (09022015). Collection method: clinical testing. Allele origin: germline.
Comment: This sequence change creates a premature translational stop signal (p.Lys307*) in the SMPD1 gene. It is expected to result in an absent or disrupted protein product. Loss-of-function variants in SMPD1 are known to be pathogenic (PMID: 12369017, 15221801). This variant is not present in population databases (gnomAD no frequency). This variant has not been reported in the literature in individuals affected with SMPD1-related conditions. Algorithms developed to predict the effect of sequence changes on RNA splicing suggest that this variant may disrupt the consensus splice site. For these reasons, this variant has been classified as Pathogenic.

Literature cited by the submitters: PubMed 12369017; PubMed 15221801.